The following is an entry in ClinVar:

NM_001256071.3(RNF213):c.12928G>A (p.Val4310Ile)

Genes: RNF213 (ring finger protein 213; plus strand), RNF213-AS1 (RNF213 antisense RNA 1; minus strand). Cytogenetic location: 17q25.3.
Variant type: single nucleotide variant.
Coding change: c.12928G>A on transcript NM_001256071.3 (MANE Select); coding-DNA position 12928, G replaced by A.
Protein change: p.Val4310Ile; replaces valine 4310 with isoleucine.
Molecular consequence: missense variant.
Genome position (GRCh38, 1-based): chr17:80,373,151, G>A. VCF-style: chr17-80373151-G-A. GRCh37 (hg19) VCF-style: chr17-78346951-G-A.
Other names: c.13075G>A, p.Val4359Ile (NM_001410195.1, NM_020914.5); short protein forms V4310I, V4359I.
Identifiers: ClinVar variation 2648427 (VCV002648427.24), dbSNP rs768573569, ClinGen allele CA8822351.

ClinVar aggregate classification (germline): Uncertain significance (1 of 4 stars; one submission).

Allele frequency attached by ClinVar (database versions not stated): TOPMed below 0.00001; ExAC 0.00001; gnomAD 0.00001; gnomAD exomes 0.00001.
gnomAD v4.1: 9 of 1,611,184 alleles (0.00056%); highest among the groups gnomAD compares: South Asian, 0.0055%; no homozygotes.

Submission:

CeGaT Center for Human Genetics Tuebingen
Classification: Uncertain significance. Last evaluated: 2022-05-01. Review status: criteria provided, single submitter. Criteria: CeGaT Center For Human Genetics Tuebingen Variant Classification Criteria Version 2. Collection method: clinical testing. Allele origin: germline. Affected: yes. Observed: 1 variant allele.
Comment: RNF213: PM2, BP4